The following is an entry in ClinVar:

ClinVar aggregate classification (germline): Uncertain significance. Review status: criteria provided, multiple submitters, no conflicts (2 of 4 stars). 3 submissions from 3 submitters: Uncertain significance (3). Last evaluated 2026-03-04.

Conditions:
Inborn genetic diseases. Identifiers: MedGen C0950123, MeSH D030342.
Baller-Gerold syndrome (BGS). Also called: CRANIOSYNOSTOSIS WITH RADIAL DEFECTS. Identifiers: Orphanet 1225, MedGen C0265308, MONDO:0009039, OMIM 218600.

Allele frequency attached by ClinVar (database versions not stated): ExAC 0.00005; TOPMed 0.00014; 1000 Genomes Project 0.00020; 1000 Genomes Project 30x 0.00031; gnomAD exomes 0.00003; ESP Exome Variant Server 0.00016.
gnomAD v4.1: 31 of 1,609,802 alleles (0.0019%); highest among the groups gnomAD compares: African/African-American, 0.029%; no homozygotes.

Submissions (3):

GeneDx
Classification: Uncertain significance. Last evaluated: 2026-03-04. Review status: criteria provided, single submitter. Criteria: GeneDx Variant Classification Process June 2021. Collection method: clinical testing. Allele origin: germline.
Comment: In silico analysis supports that this missense variant does not alter protein structure/function; Has not been previously published as pathogenic or benign to our knowledge

Labcorp Genetics (formerly Invitae), Labcorp
Classification: Uncertain significance for Baller-Gerold syndrome. Last evaluated: 2025-09-07. Review status: criteria provided, single submitter. Criteria: Invitae Variant Classification Sherloc (09022015). Collection method: clinical testing. Allele origin: germline.
Comment: This sequence change replaces methionine, which is neutral and non-polar, with leucine, which is neutral and non-polar, at codon 748 of the RECQL4 protein (p.Met748Leu). This variant is present in population databases (rs370755504, gnomAD 0.03%). This variant has not been reported in the literature in individuals affected with RECQL4-related conditions. ClinVar contains an entry for this variant (Variation ID: 852215). Invitae Evidence Modeling of protein sequence and biophysical properties (such as structural, functional, and spatial information, amino acid conservation, physicochemical variation, residue mobility, and thermodynamic stability) indicates that this missense variant is not expected to disrupt RECQL4 protein function with a negative predictive value of 80%. In summary, the available evidence is currently insufficient to determine the role of this variant in disease. Therefore, it has been classified as a Variant of Uncertain Significance.

Ambry Genetics
Classification: Uncertain significance for Inborn genetic diseases. Last evaluated: 2024-12-06. Review status: criteria provided, single submitter. Criteria: Ambry Variant Classification Scheme 2023. Collection method: clinical testing. Allele origin: germline.
Comment: The p.M748L variant (also known as c.2242A>T), located in coding exon 14 of the RECQL4 gene, results from an A to T substitution at nucleotide position 2242. The methionine at codon 748 is replaced by leucine, an amino acid with highly similar properties. This amino acid position is conserved. In addition, this alteration is predicted to be tolerated by in silico analysis. Based on the available evidence, the clinical significance of this variant remains unclear.

NM_004260.4(RECQL4):c.2242A>T (p.Met748Leu)

Gene: RECQL4 (RecQ like helicase 4; minus strand). Cytogenetic location: 8q24.3.
Variant type: single nucleotide variant.
Coding change: c.2242A>T on transcript NM_004260.4 (MANE Select); coding-DNA position 2242, A replaced by T.
Protein change: p.Met748Leu; replaces methionine 748 with leucine.
Molecular consequence: missense variant.
Genome position (GRCh38, 1-based): chr8:144,513,439, T>A on the plus strand (A>T on the coding strand, the complement: RECQL4 is on the minus strand). VCF-style: chr8-144513439-T-A. GRCh37 (hg19) VCF-style: chr8-145738823-T-A.
Other names: short protein forms M748L.
Identifiers: ClinVar variation 852215 (VCV000852215.9), dbSNP rs370755504, ClinGen allele CA4948367.
Genomic context (GRCh38, chr8:144,513,439, plus strand): 5'-CCACCCGCAACTGGCCCTGCATGAAGGCTCGCTGTACCCGCCGCCGTTCCCGGCTGCACA[T>A]GCCCGCGTGGTAGGCCTCGGCTGTGGTTTTGGGGGCACGACCTTTGGGGAAGACAGGCAG-3'
Protein context (NP_004251.4, residues 738-758): KTTAEAYHAG[Met748Leu]CSRERRRVQR